The following is an entry in ClinVar:

ClinVar aggregate classification (germline): Uncertain significance. Review status: criteria provided, multiple submitters, no conflicts (2 of 4 stars). 2 submissions from 2 submitters: Uncertain significance (2). Last evaluated 2025-03-22.

gnomAD v4.1: 13 of 1,614,038 alleles (0.00081%); highest among the groups gnomAD compares: African/African-American, 0.004%; no homozygotes.

Submissions (2):

Ambry Genetics
Classification: Uncertain significance. Last evaluated: 2025-03-22. Review status: criteria provided, single submitter. Criteria: Ambry Variant Classification Scheme 2023. Collection method: clinical testing. Allele origin: germline.

Labcorp Genetics (formerly Invitae), Labcorp
Classification: Uncertain significance. Last evaluated: 2024-07-19. Review status: criteria provided, single submitter. Criteria: Invitae Variant Classification Sherloc (09022015). Collection method: clinical testing. Allele origin: germline.
Comment: This sequence change replaces valine, which is neutral and non-polar, with methionine, which is neutral and non-polar, at codon 1359 of the DSCAML1 protein (p.Val1359Met). This variant is present in population databases (rs754145583, gnomAD 0.004%). This variant has not been reported in the literature in individuals affected with DSCAML1-related conditions. An algorithm developed to predict the effect of missense changes on protein structure and function (PolyPhen-2) suggests that this variant is likely to be disruptive. In summary, the available evidence is currently insufficient to determine the role of this variant in disease. Therefore, it has been classified as a Variant of Uncertain Significance.

NM_020693.4(DSCAML1):c.3895G>A (p.Val1299Met)

Gene: DSCAML1 (DS cell adhesion molecule like 1; minus strand). Cytogenetic location: 11q23.3.
Variant type: single nucleotide variant.
Coding change: c.3895G>A on transcript NM_020693.4 (MANE Select); coding-DNA position 3895, G replaced by A.
Protein change: p.Val1299Met; replaces valine 1299 with methionine.
Molecular consequence: missense variant.
Genome position (GRCh38, 1-based): chr11:117,439,904, C>T on the plus strand (G>A on the coding strand, the complement: DSCAML1 is on the minus strand). VCF-style: chr11-117439904-C-T. GRCh37 (hg19) VCF-style: chr11-117310620-C-T.
Other names: c.4075G>A (NM_020693.2); short protein forms V1299M.
Identifiers: ClinVar variation 3613491 (VCV003613491.3).